The following is an entry in ClinVar:

ClinVar aggregate classification (germline): Likely pathogenic (1 of 4 stars; one submission).

Conditions:
Juvenile nephropathic cystinosis. Also called: Intermediate Cystinosis; CYSTINOSIS, LATE-ONSET JUVENILE OR ADOLESCENT NEPHROPATHIC TYPE; Later-Onset (Juvenile) Cystinosis. Identifiers: Orphanet 213, Orphanet 411634, MedGen C0268626, MONDO:0009066, OMIM 219900.
Inborn genetic diseases. Identifiers: MedGen C0950123, MeSH D030342.
Ocular cystinosis. Also called: Non-Nephropathic Cystinosis; Non-Nephropathic (Ocular) Cystinosis. Identifiers: Orphanet 213, Orphanet 411641, MedGen C2931013, MONDO:0009064, OMIM 219750.

Submission:

Labcorp Genetics (formerly Invitae), Labcorp
Classification: Likely pathogenic for Inborn genetic diseases; Ocular cystinosis; Juvenile nephropathic cystinosis. Last evaluated: 2020-08-05. Review status: criteria provided, single submitter. Criteria: Invitae Variant Classification Sherloc (09022015). Collection method: clinical testing. Allele origin: germline.
Comment: This variant is not present in population databases (ExAC no frequency). This sequence change replaces serine with phenylalanine at codon 270 of the CTNS protein (p.Ser270Phe). The serine residue is highly conserved and there is a large physicochemical difference between serine and phenylalanine. This variant has been observed in individual(s) with cystinosis (PMID: 19863563). In summary, the currently available evidence indicates that the variant is pathogenic, but additional data are needed to prove that conclusively. Therefore, this variant has been classified as Likely Pathogenic. This variant disrupts the p.Ser270 amino acid residue in CTNS. Other variant(s) that disrupt this residue have been determined to be pathogenic (PMID: 25326109). This suggests that this residue is clinically significant, and that variants that disrupt this residue are likely to be disease-causing. Advanced modeling of protein sequence and biophysical properties (such as structural, functional, and spatial information, amino acid conservation, physicochemical variation, residue mobility, and thermodynamic stability) performed at Invitae indicates that this missense variant is expected to disrupt CTNS protein function.

Literature cited by the submitters: PubMed 19863563; PubMed 25326109.

NM_004937.3(CTNS):c.809C>T (p.Ser270Phe)

Gene: CTNS (cystinosin, lysosomal cystine transporter; plus strand). Cytogenetic location: 17p13.2.
Variant type: single nucleotide variant.
Coding change: c.809C>T on transcript NM_004937.3 (MANE Select); coding-DNA position 809, C replaced by T.
Protein change: p.Ser270Phe; replaces serine 270 with phenylalanine.
Molecular consequence: missense variant.
Genome position (GRCh38, 1-based): chr17:3,658,132, C>T. VCF-style: chr17-3658132-C-T. GRCh37 (hg19) VCF-style: chr17-3561426-C-T.
Other names: c.809C>T, p.Ser270Phe (NM_001031681.3, NM_001374492.1); c.368C>T, p.Ser123Phe (NM_001374493.1, NM_001374494.1, NM_001374495.1 and 1 more transcripts); short protein forms S123F, S270F.
Identifiers: ClinVar variation 1067345 (VCV001067345.11), dbSNP rs2150925336, ClinGen allele CA397692606.